The following is an entry in ClinVar:

ClinVar aggregate classification (germline): Conflicting classifications of pathogenicity. Review status: criteria provided, conflicting classifications (1 of 4 stars). 6 submissions from 6 submitters: Uncertain significance (1); Benign (1); Likely benign (3). 1 of the submissions does not count toward it. Last evaluated 2026-01-31.

Conditions:
CYBA-related disorder. Also called: CYBA-related condition.
Granulomatous disease, chronic, autosomal recessive, cytochrome b-negative. Also called: Chronic granulomatous disease, autosomal, due to deficiency of CYBA; CGD DUE TO DEFICIENCY OF THE ALPHA SUBUNIT OF CYTOCHROME b; CGD, AUTOSOMAL RECESSIVE CYTOCHROME b-NEGATIVE; GRANULOMATOUS DISEASE, CHRONIC, AUTOSOMAL RECESSIVE, 4; CYBA DEFICIENCY. Identifiers: Orphanet 379, MedGen C1856255, MONDO:0009308, OMIM 233690.

Allele frequency attached by ClinVar (database versions not stated): ExAC 0.00061; ESP Exome Variant Server 0.00120; gnomAD 0.00281 and 0.00300; TOPMed 0.00282; 1000 Genomes Project 0.00359; 1000 Genomes Project 30x 0.00359.
gnomAD v4.1: 882 of 1,535,006 alleles (0.057%); highest among the groups gnomAD compares: African/African-American, 0.96%; 1 homozygote.

Submissions (6):

Labcorp Genetics (formerly Invitae), Labcorp
Classification: Benign for Granulomatous disease, chronic, autosomal recessive, cytochrome b-negative. Last evaluated: 2026-01-31. Review status: criteria provided, single submitter. Criteria: Invitae Variant Classification Sherloc (09022015). Collection method: clinical testing. Allele origin: germline.

CeGaT Center for Human Genetics Tuebingen
Classification: Likely benign. Last evaluated: 2025-04-01. Review status: criteria provided, single submitter. Criteria: CeGaT Center For Human Genetics Tuebingen Variant Classification Criteria Version 2. Collection method: clinical testing. Allele origin: germline. Affected: yes. Observed: 1 variant allele.
Comment: CYBA: BS1

Blueprint Genetics
Classification: Likely benign. Last evaluated: 2024-10-16. Review status: criteria provided, single submitter. Criteria: ACMG Guidelines, 2015. Collection method: clinical testing. Allele origin: germline.

Eurofins Ntd Llc (ga)
Classification: Likely benign. Last evaluated: 2016-07-19. Review status: criteria provided, single submitter. Criteria: EGL Classification Definitions 2015. Collection method: clinical testing. Allele origin: germline. Observed: 1 variant allele, 1 heterozygote.

GeneDx
Classification: Uncertain significance. Last evaluated: 2016-06-28. Review status: criteria provided, single submitter. Criteria: GeneDx Variant Classification (06012015). Collection method: clinical testing. Allele origin: germline. Affected: yes.
Comment: The E135K variant has been published previously as as a benign variant (Rae et al., 2000). The NHLBI Exome Sequencing Project reports the variant was observed in 9/2910 (0.31%) alleles from individuals of African-American background, and the 1000 Genomes Project Consortium reports E135K was observed in 18/1322 (1.36%) alleles from individuals of African background, indicating it may be a rare variant in these populations. However, the variant is a non-conservative amino acid substitution, which is likely to impact secondary protein structure as these residues differ in polarity, charge, size and/or other properties. This substitution occurs at a position that is conserved across species. In silico analysis is inconsistent in its predictions as to whether or not the variant is damaging to the protein structure/function. Therefore, based on the currently available information, it is unclear whether this variant is a pathogenic variant or a rare benign variant.

PreventionGenetics, part of Exact Sciences
Classification: Likely benign for CYBA-related condition. Last evaluated: 2020-03-25. Review status: no assertion criteria provided. Collection method: clinical testing. Allele origin: germline. Not counted in ClinVar's aggregate classification.
Comment: This variant is classified as likely benign based on ACMG/AMP sequence variant interpretation guidelines (Richards et al. 2015 PMID: 25741868, with internal and published modifications).

NM_000101.4(CYBA):c.403G>A (p.Glu135Lys)

Gene: CYBA (cytochrome b-245 alpha chain; minus strand). Cytogenetic location: 16q24.2.
Variant type: single nucleotide variant.
Coding change: c.403G>A on transcript NM_000101.4 (MANE Select); coding-DNA position 403, G replaced by A.
Protein change: p.Glu135Lys; replaces glutamic acid 135 with lysine.
Molecular consequence: missense variant.
Genome position (GRCh38, 1-based): chr16:88,643,538, C>T on the plus strand (G>A on the coding strand, the complement: CYBA is on the minus strand). VCF-style: chr16-88643538-C-T. GRCh37 (hg19) VCF-style: chr16-88709946-C-T.
Other names: c.403G>A (LRG_52t1); short protein forms E135K.
Identifiers: ClinVar variation 289491 (VCV000289491.26), dbSNP rs114610092, ClinGen allele CA8228202.